The following is an entry in ClinVar:

NM_201384.3(PLEC):c.10030C>G (p.Leu3344Val)

Gene: PLEC (plectin; minus strand). Cytogenetic location: 8q24.3.
Variant type: single nucleotide variant.
Coding change: c.10030C>G on transcript NM_201384.3 (MANE Select); coding-DNA position 10030, C replaced by G.
Protein change: p.Leu3344Val; replaces leucine 3344 with valine.
Molecular consequence: missense variant.
Genome position (GRCh38, 1-based): chr8:143,919,791, G>C on the plus strand (C>G on the coding strand, the complement: PLEC is on the minus strand). VCF-style: chr8-143919791-G-C. GRCh37 (hg19) VCF-style: chr8-144993959-G-C.
Other names: c.10111C>G, p.Leu3371Val (NM_000445.5); c.6730C>G, p.Leu2244Val (NM_001410941.1); c.9988C>G, p.Leu3330Val (NM_201378.4); c.9964C>G, p.Leu3322Val (NM_201379.3); c.10441C>G, p.Leu3481Val (NM_201380.4); c.9934C>G, p.Leu3312Val (NM_201381.3); c.10030C>G, p.Leu3344Val (NM_201382.4); c.10042C>G, p.Leu3348Val (NM_201383.3); short protein forms L2244V, L3312V, L3322V, L3330V, L3344V, L3348V, L3371V, L3481V.
Identifiers: ClinVar variation 3751233 (VCV003751233.2).

ClinVar aggregate classification (germline): Uncertain significance (1 of 4 stars; one submission).

Conditions:
Epidermolysis bullosa simplex with nail dystrophy (EBS5D). Identifiers: MedGen C4225309, MONDO:0014661, OMIM 616487.
Epidermolysis bullosa simplex, Ogna type (EBS5A). Also called: Pidermolysis bullosa simplex 5A, Ogna type; EPIDERMOLYSIS BULLOSA SIMPLEX 5A, OGNA TYPE. Identifiers: Orphanet 79401, MedGen C0432317, MONDO:0007555, OMIM 131950.
Autosomal recessive limb-girdle muscular dystrophy type 2Q (LGMDR17). Also called: MUSCULAR DYSTROPHY, LIMB-GIRDLE, AUTOSOMAL RECESSIVE 17. Identifiers: Orphanet 254361, MedGen C3150989, MONDO:0013390, OMIM 613723.
Epidermolysis bullosa simplex 5B, with muscular dystrophy (EBS5B). Also called: EPIDERMOLYSIS BULLOSA SIMPLEX AND LIMB-GIRDLE MUSCULAR DYSTROPHY; Epidermolysis bullosa simplex with muscular dystrophy. Identifiers: Orphanet 257, MedGen C2931072, MONDO:0009181, OMIM 226670.
Epidermolysis bullosa simplex 5C, with pyloric atresia (EBS5C). Also called: PLEC-Related Epidermolysis Bullosa with Pyloric Atresia; Epidermolysis bullosa simplex with pyloric atresia; PLEC1-Related Epidermolysis Bullosa with Pyloric Atresia. Identifiers: Orphanet 158684, MedGen C2677349, MONDO:0012807, OMIM 612138.

Submission:

Labcorp Genetics (formerly Invitae), Labcorp
Classification: Uncertain significance for Autosomal recessive limb-girdle muscular dystrophy type 2Q; Epidermolysis bullosa simplex, Ogna type; Epidermolysis bullosa simplex with nail dystrophy; Epidermolysis bullosa simplex 5C, with pyloric atresia; Epidermolysis bullosa simplex 5B, with muscular dystrophy. Last evaluated: 2024-08-08. Review status: criteria provided, single submitter. Criteria: Invitae Variant Classification Sherloc (09022015). Collection method: clinical testing. Allele origin: germline.
Comment: This sequence change replaces leucine, which is neutral and non-polar, with valine, which is neutral and non-polar, at codon 3371 of the PLEC protein (p.Leu3371Val). This variant is not present in population databases (gnomAD no frequency). This variant has not been reported in the literature in individuals affected with PLEC-related conditions. An algorithm developed to predict the effect of missense changes on protein structure and function outputs the following: PolyPhen-2: "Benign". The valine amino acid residue is found in multiple mammalian species, which suggests that this missense change does not adversely affect protein function. In summary, the available evidence is currently insufficient to determine the role of this variant in disease. Therefore, it has been classified as a Variant of Uncertain Significance.